The following is an entry in ClinVar:

ClinVar aggregate classification (germline): Benign (1 of 4 stars; one submission).

Conditions:
Pyridoxine-dependent epilepsy (EPEO4). Also called: Pyridoxine-Dependent Epilepsy - ALDH7A1; PYRIDOXINE DEPENDENCY WITH SEIZURES; EPILEPSY, EARLY-ONSET, 4, VITAMIN B6-DEPENDENT; Pyridoxine-Dependent Seizures. Identifiers: Orphanet 3006, MedGen C1849508, MONDO:0009945, OMIM 266100. Disease mechanism: loss of function.

Allele frequency attached by ClinVar (database versions not stated): gnomAD 0.37480; 1000 Genomes Project 0.40076; gnomAD exomes 0.36207; 1000 Genomes Project 30x 0.39647; TOPMed 0.38872.

Submission:

Illumina Laboratory Services, Illumina
Classification: Benign for Pyridoxine-dependent epilepsy. Last evaluated: 2018-01-12. Review status: criteria provided, single submitter. Criteria: ICSL Variant Classification Criteria 13 December 2019. Collection method: clinical testing. Allele origin: germline.
Comment: This variant was observed in the ICSL laboratory as part of a predisposition screen in an ostensibly healthy population. It had not been previously curated by ICSL or reported in the Human Gene Mutation Database (HGMD: prior to June 1st, 2018), and was therefore a candidate for classification through an automated scoring system. Utilizing variant allele frequency, disease prevalence and penetrance estimates, and inheritance mode, an automated score was calculated to assess if this variant is too frequent to cause the disease. Based on the score and internal cut-off values, a variant classified as benign is not then subjected to further curation. The score for this variant resulted in a classification of benign for this disease.

NM_001182.5(ALDH7A1):c.*726C>T

Gene: ALDH7A1 (aldehyde dehydrogenase 7 family member A1; minus strand). Cytogenetic location: 5q23.2.
Variant type: single nucleotide variant.
Coding change: c.*726C>T on transcript NM_001182.5 (MANE Select); 726 bases downstream of the stop codon, C replaced by T.
Molecular consequence: 3 prime UTR variant.
Genome position (GRCh38, 1-based): chr5:126,544,239, G>A on the plus strand (C>T on the coding strand, the complement: ALDH7A1 is on the minus strand). VCF-style: chr5-126544239-G-A. GRCh37 (hg19) VCF-style: chr5-125879931-G-A.
Other names: c.*726C>T (NM_001201377.2, NM_001202404.2).
Identifiers: ClinVar variation 350572 (VCV000350572.5), dbSNP rs1060857, ClinGen allele CA10622426.
Genomic context (GRCh38, chr5:126,544,239, plus strand): 5'-AAACTCCTAGCCTCTACTGATCCACCCGCCTCGGCCTCTCAAAGTGCTGGGATTATAGGC[G>A]TAAGCCACCTTGCCCAGCCTCCAGACGCATTTTCTATACAACTCTGCACGGGCAATTTTG-3'